The following is an entry in ClinVar:

NM_020779.4(WDR35):c.3198C>A (p.Ala1066=)

Gene: WDR35 (WD repeat domain 35; minus strand). Cytogenetic location: 2p24.1.
Variant type: single nucleotide variant.
Coding change: c.3198C>A on transcript NM_020779.4 (MANE Select); coding-DNA position 3198, C replaced by A.
Protein change: p.Ala1066=; no amino-acid change (alanine 1066 retained).
Molecular consequence: synonymous variant.
Genome position (GRCh38, 1-based): chr2:19,914,201, G>T on the plus strand (C>A on the coding strand, the complement: WDR35 is on the minus strand). VCF-style: chr2-19914201-G-T. GRCh37 (hg19) VCF-style: chr2-20113962-G-T.
Other names: c.3231C>A, p.Ala1077= (NM_001006657.2).
Identifiers: ClinVar variation 5039712 (VCV005039712.1).

ClinVar aggregate classification (germline): Likely benign (1 of 4 stars; one submission).

Submission:

CeGaT Center for Human Genetics Tuebingen
Classification: Likely benign. Last evaluated: 2026-07-01. Review status: criteria provided, single submitter. Criteria: CeGaT Center For Human Genetics Tuebingen Variant Classification Criteria Version 2. Collection method: clinical testing. Allele origin: germline. Affected: yes. Observed: 1 variant allele.
Comment: WDR35: PM2:Supporting, BP4, BP7